The following is an entry in ClinVar:

ClinVar aggregate classification (germline): Pathogenic/Likely pathogenic. Review status: criteria provided, multiple submitters, no conflicts (2 of 4 stars). 4 submissions from 4 submitters: Pathogenic (1); Likely pathogenic (3). Last evaluated 2025-06-03.

Conditions:
ALG1-congenital disorder of glycosylation. Also called: ALG1-CDG; CONGENITAL DISORDER OF GLYCOSYLATION, TYPE Ik; CDG Ik. Identifiers: Orphanet 79327, MedGen C2931005, MONDO:0012052, OMIM 608540.

Allele frequency attached by ClinVar (database versions not stated): gnomAD exomes below 0.00001 and 0.00001; gnomAD 0.00001; TOPMed 0.00003.
gnomAD v4.1: 5 of 1,611,860 alleles (0.00031%); highest among the groups gnomAD compares: Admixed American, 0.005%; no homozygotes.

Submissions (4):

GeneDx
Classification: Likely pathogenic. Last evaluated: 2025-06-03. Review status: criteria provided, single submitter. Criteria: GeneDx Variant Classification Process June 2021. Collection method: clinical testing. Allele origin: germline. Affected: yes.
Comment: Reported as a single heterozygous variant in a patient with intellectual disability, epilepsy, and metabolic disorder (PMID: 34269512); Nonsense variant predicted to result in protein truncation or nonsense mediated decay in a gene for which loss of function is a known mechanism of disease; Not observed at significant frequency in large population cohorts (gnomAD); This variant is associated with the following publications: (PMID: 34269512)

Fulgent Genetics
Classification: Likely pathogenic for ALG1-congenital disorder of glycosylation. Last evaluated: 2024-03-09. Review status: criteria provided, single submitter. Criteria: ACMG Guidelines, 2015. Collection method: clinical testing. Allele origin: germline.

Labcorp Genetics (formerly Invitae), Labcorp
Classification: Pathogenic for ALG1-congenital disorder of glycosylation. Last evaluated: 2024-01-12. Review status: criteria provided, single submitter. Criteria: Invitae Variant Classification Sherloc (09022015). Collection method: clinical testing. Allele origin: germline.
Comment: This sequence change creates a premature translational stop signal (p.Glu275*) in the ALG1 gene. It is expected to result in an absent or disrupted protein product. Loss-of-function variants in ALG1 are known to be pathogenic (PMID: 20679665, 23806237). The frequency data for this variant in the population databases is considered unreliable, as metrics indicate poor data quality at this position in the gnomAD database. This variant has not been reported in the literature in individuals affected with ALG1-related conditions. ClinVar contains an entry for this variant (Variation ID: 504406). For these reasons, this variant has been classified as Pathogenic.

Illumina Laboratory Services, Illumina
Classification: Likely pathogenic for ALG1-congenital disorder of glycosylation. Last evaluated: 2021-07-19. Review status: criteria provided, single submitter. Criteria: ICSLVariantClassificationCriteria RUGD 01 April 2020. Collection method: clinical testing. Allele origin: unknown.
Comment: The ALG1 c.823G>T (p.Glu275Ter) variant is a stop-gained variant that is predicted to result in a premature termination or absence of the protein. A literature search was performed for the gene, cDNA change and amino acid change. No publications were found based on this search. The p.Glu275Ter variant is reported at a frequency of 0.000165 in the Other population of the Genome Aggregation Database version 3.1.1 though this is based on one allele in a region of good sequencing coverage, so the variant is presumed to be rare. Based on the available evidence, the p.Glu275Ter variant is classified as likely pathogenic for ALG1-congenital disorder of glycosylation.

Literature cited by the submitters: PubMed 20679665 (cited by Labcorp Genetics (formerly Invitae), Labcorp); PubMed 23806237 (cited by Labcorp Genetics (formerly Invitae), Labcorp).

NM_019109.5(ALG1):c.823G>T (p.Glu275Ter)

Gene: ALG1 (ALG1 chitobiosyldiphosphodolichol beta-mannosyltransferase; plus strand). Cytogenetic location: 16p13.3.
Variant type: single nucleotide variant.
Coding change: c.823G>T on transcript NM_019109.5 (MANE Select); coding-DNA position 823, G replaced by T.
Protein change: p.Glu275Ter; replaces glutamic acid 275 with a stop codon.
Molecular consequence: nonsense.
Genome position (GRCh38, 1-based): chr16:5,078,839, G>T. VCF-style: chr16-5078839-G-T. GRCh37 (hg19) VCF-style: chr16-5128840-G-T.
Other names: c.490G>T, p.Glu164Ter (NM_001330504.2); short protein forms E164*.
Identifiers: ClinVar variation 504406 (VCV000504406.15), dbSNP rs1372794201, ClinGen allele CA394681822.